The following is an entry in ClinVar:

NM_001382430.1(AKT1):c.807C>A (p.Asn269Lys)

Gene: AKT1 (AKT serine/threonine kinase 1; minus strand). Cytogenetic location: 14q32.33.
Variant type: single nucleotide variant.
Coding change: c.807C>A on transcript NM_001382430.1 (MANE Select); coding-DNA position 807, C replaced by A.
Protein change: p.Asn269Lys; replaces asparagine 269 with lysine.
Molecular consequence: missense variant.
Genome position (GRCh38, 1-based): chr14:104,773,476, G>T on the plus strand (C>A on the coding strand, the complement: AKT1 is on the minus strand). VCF-style: chr14-104773476-G-T. GRCh37 (hg19) VCF-style: chr14-105239813-G-T.
Other names: c.807C>A, p.Asn269Lys (NM_001014431.2, NM_001014432.2, NM_001382431.1 and 3 more transcripts); short protein forms N269K.
Identifiers: ClinVar variation 3224638 (VCV003224638.1), dbSNP rs201044857, ClinGen allele CA391218239.
Genomic context (GRCh38, chr14:104,773,476, plus strand): 5'-CCCCCAGGGCCCTGCCCCCCTGCCTGCCCGCCAGCGCACCTTGAGGTCCCGGTACACCAC[G>T]TTCTTCTCCGAGTGCAGGTAGTCCAGGGCTGACACAATCTCAGCGCCATAGAAGCGGGCC-3'
Protein context (NP_001369359.1, residues 259-279): SALDYLHSEK[Asn269Lys]VVYRDLKLEN

ClinVar aggregate classification (germline): Uncertain significance (1 of 4 stars; one submission).

Conditions:
Inborn genetic diseases. Identifiers: MedGen C0950123, MeSH D030342.

Submission:

Ambry Genetics
Classification: Uncertain significance for Inborn genetic diseases. Last evaluated: 2024-03-03. Review status: criteria provided, single submitter. Criteria: Ambry Variant Classification Scheme 2023. Collection method: clinical testing. Allele origin: germline.
Comment: The p.N269K variant (also known as c.807C>A), located in coding exon 8 of the AKT1 gene, results from a C to A substitution at nucleotide position 807. The asparagine at codon 269 is replaced by lysine, an amino acid with similar properties. This amino acid position is conserved. In addition, this alteration is predicted to be tolerated by in silico analysis. Based on the available evidence, the clinical significance of this alteration remains unclear.